The following is an entry in ClinVar:

ClinVar aggregate classification (germline): Uncertain significance. Review status: criteria provided, multiple submitters, no conflicts (2 of 4 stars). 3 submissions from 3 submitters: Uncertain significance (3). Last evaluated 2024-12-16.

Conditions:
Inborn genetic diseases. Identifiers: MedGen C0950123, MeSH D030342.

Allele frequency attached by ClinVar (database versions not stated): gnomAD exomes 0.00001; ExAC 0.00003; gnomAD 0.00004; TOPMed 0.00013.
gnomAD v4.1: 23 of 1,612,980 alleles (0.0014%); highest among the groups gnomAD compares: African/African-American, 0.02%; no homozygotes.

Submissions (3):

Labcorp Genetics (formerly Invitae), Labcorp
Classification: Uncertain significance. Last evaluated: 2024-12-16. Review status: criteria provided, single submitter. Criteria: Invitae Variant Classification Sherloc (09022015). Collection method: clinical testing. Allele origin: germline.
Comment: This sequence change replaces leucine, which is neutral and non-polar, with phenylalanine, which is neutral and non-polar, at codon 357 of the ANKRD26 protein (p.Leu357Phe). This variant is present in population databases (rs775598035, gnomAD 0.02%). This variant has not been reported in the literature in individuals affected with ANKRD26-related conditions. ClinVar contains an entry for this variant (Variation ID: 2170460). An algorithm developed to predict the effect of missense changes on protein structure and function (PolyPhen-2) suggests that this variant is likely to be tolerated. In summary, the available evidence is currently insufficient to determine the role of this variant in disease. Therefore, it has been classified as a Variant of Uncertain Significance.

Ambry Genetics
Classification: Uncertain significance for Inborn genetic diseases. Last evaluated: 2024-12-05. Review status: criteria provided, single submitter. Criteria: Ambry Variant Classification Scheme 2023. Collection method: clinical testing. Allele origin: germline.
Comment: The p.L357F variant (also known as c.1069C>T), located in coding exon 9 of the ANKRD26 gene, results from a C to T substitution at nucleotide position 1069. The leucine at codon 357 is replaced by phenylalanine, an amino acid with highly similar properties. This amino acid position is conserved. In addition, this alteration is predicted to be tolerated by in silico analysis. Based on the available evidence, the clinical significance of this variant remains unclear.

GeneDx
Classification: Uncertain significance. Last evaluated: 2024-01-29. Review status: criteria provided, single submitter. Criteria: GeneDx Variant Classification Process June 2021. Collection method: clinical testing. Allele origin: germline. Affected: yes.
Comment: In silico analysis supports that this missense variant does not alter protein structure/function; Has not been previously published as pathogenic or benign to our knowledge

NM_014915.3(ANKRD26):c.1069C>T (p.Leu357Phe)

Gene: ANKRD26 (ankyrin repeat domain 26; minus strand). Cytogenetic location: 10p12.1.
Variant type: single nucleotide variant.
Coding change: c.1069C>T on transcript NM_014915.3 (MANE Select); coding-DNA position 1069, C replaced by T.
Protein change: p.Leu357Phe; replaces leucine 357 with phenylalanine.
Molecular consequence: missense variant.
Genome position (GRCh38, 1-based): chr10:27,077,346, G>A on the plus strand (C>T on the coding strand, the complement: ANKRD26 is on the minus strand). VCF-style: chr10-27077346-G-A. GRCh37 (hg19) VCF-style: chr10-27366275-G-A.
Other names: c.1069C>T, p.Leu357Phe (NM_001256053.2); short protein forms L357F.
Identifiers: ClinVar variation 2170460 (VCV002170460.7), dbSNP rs775598035, ClinGen allele CA5448705.